The following is an entry in ClinVar:

NM_000250.2(MPO):c.1642C>T (p.Arg548Trp)

Genes: MPO (myeloperoxidase; minus strand), LOC106694316 (enhancer region in introns 7-9 of MPO; plus strand). Cytogenetic location: 17q22.
Variant type: single nucleotide variant.
Coding change: c.1642C>T on transcript NM_000250.2 (MANE Select); coding-DNA position 1642, C replaced by T.
Protein change: p.Arg548Trp; replaces arginine 548 with tryptophan.
Molecular consequence: missense variant.
Genome position (GRCh38, 1-based): chr17:58,272,898, G>A on the plus strand (C>T on the coding strand, the complement: MPO is on the minus strand). VCF-style: chr17-58272898-G-A. GRCh37 (hg19) VCF-style: chr17-56350259-G-A.
Other names: short protein forms R548W.
Identifiers: ClinVar variation 3239038 (VCV003239038.19), dbSNP rs148802625.

ClinVar aggregate classification (germline): Uncertain significance (1 of 4 stars; one submission).

Allele frequency attached by ClinVar (database versions not stated): TOPMed 0.00017; gnomAD exomes 0.00024; gnomAD 0.00027; ExAC 0.00034; 1000 Genomes Project 0.00040; ESP Exome Variant Server 0.00046; 1000 Genomes Project 30x 0.00062.
gnomAD v4.1: 388 of 1,614,116 alleles (0.024%); highest among the groups gnomAD compares: Non-Finnish European, 0.026%; 1 homozygote.

Submission:

CeGaT Center for Human Genetics Tuebingen
Classification: Uncertain significance. Last evaluated: 2024-05-01. Review status: criteria provided, single submitter. Criteria: CeGaT Center For Human Genetics Tuebingen Variant Classification Criteria Version 2. Collection method: clinical testing. Allele origin: germline. Affected: yes. Observed: 1 variant allele.
Comment: MPO: PM2, PP3, PS3:Supporting